The following is an entry in ClinVar:

ClinVar aggregate classification (germline): Uncertain significance (1 of 4 stars; one submission).

Submission:

Labcorp Genetics (formerly Invitae), Labcorp
Classification: Uncertain significance. Last evaluated: 2022-10-29. Review status: criteria provided, single submitter. Criteria: Invitae Variant Classification Sherloc (09022015). Collection method: clinical testing. Allele origin: germline.
Comment: In summary, the available evidence is currently insufficient to determine the role of this variant in disease. Therefore, it has been classified as a Variant of Uncertain Significance. Experimental studies and prediction algorithms are not available or were not evaluated, and the functional significance of this variant is currently unknown. This variant has not been reported in the literature in individuals affected with CACNA2D4-related conditions. The frequency data for this variant in the population databases is considered unreliable, as metrics indicate poor data quality at this position in the gnomAD database. This sequence change creates a premature translational stop signal (p.Leu37Profs*46) in the CACNA2D4 gene. It is expected to result in an absent or disrupted protein product. However, the current clinical and genetic evidence is not sufficient to establish whether loss-of-function variants in CACNA2D4 cause disease.

NM_172364.5(CACNA2D4):c.109dup (p.Leu37fs)

Gene: CACNA2D4 (calcium voltage-gated channel auxiliary subunit alpha2delta 4; minus strand). Cytogenetic location: 12p13.33.
Variant type: Duplication.
Coding change: c.109dup on transcript NM_172364.5 (MANE Select); coding-DNA position 109, one base duplicated (C; older notation c.109dupC).
Protein change: p.Leu37fs; shifts the reading frame from leucine 37.
Molecular consequence: frameshift variant.
Genome position (GRCh38, 1-based): chr12:1,918,365, G duplicated on the plus strand (C on the coding strand, the reverse complement: CACNA2D4 is on the minus strand); the first of 4 consecutive G bases (chr12:1,918,365-1,918,368); duplicating any one gives the same sequence. VCF-style (leftmost placement, unchanged base first): chr12-1918364-A-AG. GRCh37 (hg19) VCF-style: chr12-2027530-A-AG.
Other names: short protein forms L37fs.
Identifiers: ClinVar variation 2783256 (VCV002783256.3), dbSNP rs747468054, ClinGen allele CA6387679.